The following is an entry in ClinVar:

NM_007294.4(BRCA1):c.4837A>T (p.Ser1613Cys)

Gene: BRCA1 (BRCA1 DNA repair associated; minus strand). Cytogenetic location: 17q21.31.
Variant type: single nucleotide variant.
Coding change: c.4837A>T on transcript NM_007294.4 (MANE Select); coding-DNA position 4837, A replaced by T.
Protein change: p.Ser1613Cys; replaces serine 1613 with cysteine.
Molecular consequence: missense variant. On other transcripts: non-coding transcript variant (1).
Genome position (GRCh38, 1-based): chr17:43,071,077, T>A on the plus strand (A>T on the coding strand, the complement: BRCA1 is on the minus strand). VCF-style: chr17-43071077-T-A. GRCh37 (hg19) VCF-style: chr17-41223094-T-A.
Other names: p.S1613C:AGT>TGT; 4956A>T; c.4837A>T, p.Ser1613Cys (NM_001407603.1, NM_001407605.1, NM_001407652.1 and 8 more transcripts); c.4834A>T, p.Ser1612Cys (NM_001407610.1, NM_001407611.1, NM_001407612.1 and 17 more transcripts); c.4831A>T, p.Ser1611Cys (NM_001407627.1, NM_001407628.1, NM_001407629.1 and 14 more transcripts); c.4828A>T, p.Ser1610Cys (NM_001407644.1, NM_001407645.1); c.4825A>T, p.Ser1609Cys (NM_001407646.1); c.4822A>T, p.Ser1608Cys (NM_001407647.1); and 72 more; short protein forms S1613C, S1634C, S509C, S1566C, S1486C, S1502C, S1524C, S1541C.
Identifiers: ClinVar variation 37613 (VCV000037613.36), dbSNP rs1799966, ClinGen allele CA003045.
Genomic context (GRCh38, chr17:43,071,077, plus strand): 5'-TCACACTTTCTTCCATTGCATTATACCCAGCAGTATCAGTAGTATGAGCAGCAGCTGGAC[T>A]CTGGGCAGATTCTGCAACTTTCAATTGGGGAACTTTCAATGCAGAGGTTGAAGATGGTAT-3'
Protein context (NP_009225.1, residues 1603-1623): PQLKVAESAQ[Ser1613Cys]PAAAHTTDTA

ClinVar aggregate classification (germline): Benign/Likely benign. Review status: criteria provided, multiple submitters, no conflicts (2 of 4 stars). 12 submissions from 12 submitters: Benign (1); Likely benign (7). 4 of the submissions do not count toward it. Last evaluated 2026-01-30.

Conditions:
BRCA1-related disorder. Also called: BRCA1-related condition.
Hereditary cancer-predisposing syndrome. Also called: Tumor predisposition; Neoplastic Syndromes, Hereditary; Hereditary Cancer Syndrome; Hereditary neoplastic syndrome. Identifiers: Orphanet 140162, MedGen C0027672, MeSH D009386, MONDO:0015356.
Hereditary breast ovarian cancer syndrome. Also called: Hereditary breast and ovarian cancer syndrome (HBOC); Hereditary breast and ovarian cancer syndrome; Hereditary breast and ovarian cancer; Hereditary breast and/or ovarian cancer syndrome; Breast and ovarian cancer; BRCA1- and BRCA2-Associated Hereditary Breast and Ovarian Cancer. Identifiers: Orphanet 145, MedGen C0677776, MeSH D061325, MONDO:0003582. Disease mechanism: loss of function.
Breast-ovarian cancer, familial, susceptibility to, 1 (BROVCA1). Also called: OVARIAN CANCER, SUSCEPTIBILITY TO; BRCA1 Hereditary Breast and Ovarian Cancer. Identifiers: Orphanet 145, MedGen C2676676, MONDO:0011450, OMIM 604370. Disease mechanism: loss of function.
Malignant tumor of breast. Also called: Malignant breast neoplasm; Cancer breast. Identifiers: MedGen C0006142, MONDO:0007254. Disease mechanism: loss of function.

gnomAD v4.1: 49 of 1,613,874 alleles (0.003%); highest among the groups gnomAD compares: African/African-American, 0.061%; no homozygotes.

Submissions (12):

Labcorp Genetics (formerly Invitae), Labcorp
Classification: Likely benign for Hereditary breast ovarian cancer syndrome. Last evaluated: 2026-01-30. Review status: criteria provided, single submitter. Criteria: Invitae Variant Classification Sherloc (09022015). Collection method: clinical testing. Allele origin: germline.

Women's Health and Genetics/Laboratory Corporation of America, LabCorp
Classification: Likely benign. Last evaluated: 2025-08-29. Review status: criteria provided, single submitter. Criteria: LabCorp Variant Classification Summary - May 2015. Collection method: clinical testing. Allele origin: germline.
Comment: Variant summary: BRCA1 c.4837A>T (p.Ser1613Cys) results in a non-conservative amino acid change in the encoded protein sequence. Algorithms developed to predict the effect of missense changes on protein structure and function are either unavailable or do not agree on the potential impact of this missense change. The variant allele was found at a frequency of 5.2e-05 in 251384 control chromosomes, predominantly at a frequency of 0.0008 within the African or African-American subpopulation in the gnomAD database. This frequency is not significantly higher than estimated for disease-causing variants in BRCA1, allowing no conclusion about variant significance. c.4837A>T has been reported in the literature in individuals affected with Breast And Ovarian Cancer Syndrome (Majdak_2005, D'Argenio_2015, Cifuentes-C_2019, Cecener_2020). These report(s) do not provide unequivocal conclusions about association of the variant with Hereditary Breast And Ovarian Cancer Syndrome. At least one publication reports experimental evidence evaluating an impact on protein function and showed that this variant is likely not pathogenic (Woods_2016, Fernandes_2019). The following publications have been ascertained in the context of this evaluation (PMID: 18992264, 31706072, 32284662, 15004537, 25896959, 30765603, 15617999, 9326340, 15350310, 28781887, 31705708). ClinVar contains an entry for this variant (Variation ID: 37613). Based on the evidence outlined above, the variant was classified as likely benign.

Quest Diagnostics Nichols Institute San Juan Capistrano
Classification: Likely benign. Last evaluated: 2025-08-08. Review status: criteria provided, single submitter. Criteria: Quest Diagnostics criteria. Collection method: clinical testing. Allele origin: unknown.

ARUP Laboratories, Molecular Genetics and Genomics, ARUP Laboratories
Classification: Benign. Last evaluated: 2024-06-05. Review status: criteria provided, single submitter. Criteria: ARUP Molecular Germline Variant Investigation Process 2024. Collection method: clinical testing. Allele origin: germline.

Sema4
Classification: Likely benign for Hereditary cancer-predisposing syndrome. Last evaluated: 2021-07-07. Review status: criteria provided, single submitter. Criteria: Sema4 Curation Guidelines. Collection method: curation. Allele origin: germline.

GeneDx
Classification: Likely benign. Last evaluated: 2020-12-18. Review status: criteria provided, single submitter. Criteria: GeneDx Variant Classification Process June 2021. Collection method: clinical testing. Allele origin: germline. Affected: yes.
Comment: This variant is associated with the following publications: (PMID: 26092435, 31705708, 15004537, 15350310, 19370767, 10728701, 21447777, 18992264, 25896959, 15617999, 9326340, 26183948, 28781887, 30765603, 31706072)

Ambry Genetics
Classification: Likely benign for Hereditary cancer-predisposing syndrome. Last evaluated: 2018-11-01. Review status: criteria provided, single submitter. Criteria: Ambry Variant Classification Scheme 2023. Collection method: clinical testing. Allele origin: germline.

Color Diagnostics, LLC DBA Color Health
Classification: Likely benign for Hereditary cancer-predisposing syndrome. Last evaluated: 2016-10-06. Review status: criteria provided, single submitter. Criteria: ACMG Guidelines, 2015. Collection method: clinical testing. Allele origin: germline.

PreventionGenetics, part of Exact Sciences
Classification: Likely benign for BRCA1-related condition. Last evaluated: 2021-10-01. Review status: no assertion criteria provided. Collection method: clinical testing. Allele origin: germline. Not counted in ClinVar's aggregate classification.
Comment: This variant is classified as likely benign based on ACMG/AMP sequence variant interpretation guidelines (Richards et al. 2015 PMID: 25741868, with internal and published modifications).

Sharing Clinical Reports Project (SCRP)
Classification: Benign for Breast-ovarian cancer, familial 1. Last evaluated: 2011-11-14. Review status: no assertion criteria provided. Collection method: clinical testing. Allele origin: germline. Not counted in ClinVar's aggregate classification.

Breast Cancer Information Core (BIC) (BRCA1)
Classification: Uncertain significance for Breast-ovarian cancer, familial 1. Last evaluated: 2004-02-20. Review status: no assertion criteria provided. Collection method: clinical testing. Allele origin: germline. Affected: yes. Observed: 4 variant alleles. Not counted in ClinVar's aggregate classification.

Department of Pathology and Laboratory Medicine, Sinai Health System
Classification: Likely benign for Malignant tumor of breast. Review status: no assertion criteria provided. Collection method: clinical testing. Allele origin: unknown. Affected: yes. Study: The Canadian Open Genetics Repository (COGR). Not counted in ClinVar's aggregate classification.
Comment: The BRCA1 p.Ser1613Cys variant was identified in 1 of 140 proband chromosomes (frequency: 0.007) from individuals or families with breast cancer (D'Argenio 2015). The variant was also identified in dbSNP (rs1799966) as â€šÃ„Ãºotherâ€šÃ„Ã¹, in ClinVar with conflicting interpretations of pathogenicity (5 submitters, classified as Likely Benign by Invitae, Ambry, and GeneDx, classified as Uncertain Significance by BIC and as Benign by the Sharing Clinic Reports Project), in Clinvitae (classified as Likely benign as reported in ClinVar) and in BIC (4x classified as unknown), the Fanconi Anemia Mutation Database (3x classified as predicted neutral) databases. The variant was also identified in the control database the Exome Aggregation Consortium (ExAC) in 8 of 121360 chromosomes (freq. 0.00007), all cases were seen in the African population specifically 8 of 10406 chromosomes (freq. 0.0008), increasing the likelihood that this may be a low frequency benign variant. The variant was not identified in the 1000 Genomes Project, the NHLBI GO Exome Sequencing Project, the ARUP Laboratories BRCA Mutations Database, COSMIC, GeneInsight COGR, and UMD. Functional studies initially reported the p.Ser1613Cys variant to be disease causing based on a transcription activation assay performed in yeast (Monteiro 1997). However a more recent and more sensitive transcriptional assay reported the p.Ser1613Cys variant to be likely neutral and noted that the sensitivity of the previous assay was likely the reason for the conflicting results (Carvalho 2009). The p.Ser1613 residue is not conserved in mammals and computational analyses (PolyPhen-2, SIFT, AlignGVGD, BLOSUM, MutationTaster) provide inconsistent predictions regarding the impact to the protein; this information is not very predictive of pathogenicity. Moreover this locus is the known site of a common polymorphism in BRCA1 p.Ser1613Gly (identified in 35% of cases in ExAC) and classified as Benign by our laboratory. The variant occurs outside of the splicing consensus sequence and 1 of 5 in silico or computational prediction software programs (SpliceSiteFinder, MaxEntScan, NNSPLICE, GeneSplicer, HumanSpliceFinder) predict a greater than 10% difference in splicing; this is not very predictive of pathogenicity. In summary, based on the above information, the clinical significance of this variant cannot be determined with certainty at this time although we would lean towards a more benign role for this variant. This variant is classified as likely benign.

Literature cited by the submitters: PubMed 15350310 (cited by Women's Health and Genetics/Laboratory Corporation of America, LabCorp); PubMed 15617999 (cited by Women's Health and Genetics/Laboratory Corporation of America, LabCorp and Quest Diagnostics Nichols Institute San Juan Capistrano); PubMed 15004537 (cited by Women's Health and Genetics/Laboratory Corporation of America, LabCorp and Quest Diagnostics Nichols Institute San Juan Capistrano); PubMed 18992264 (cited by 3 submitters); PubMed 25896959 (cited by 3 submitters); PubMed 9326340 (cited by Women's Health and Genetics/Laboratory Corporation of America, LabCorp and Quest Diagnostics Nichols Institute San Juan Capistrano); PubMed 28781887 (cited by Women's Health and Genetics/Laboratory Corporation of America, LabCorp and Ambry Genetics); PubMed 30765603 (cited by Women's Health and Genetics/Laboratory Corporation of America, LabCorp); PubMed 31706072 (cited by Women's Health and Genetics/Laboratory Corporation of America, LabCorp and Quest Diagnostics Nichols Institute San Juan Capistrano); PubMed 32284662 (cited by Women's Health and Genetics/Laboratory Corporation of America, LabCorp and Sema4); PubMed 31705708 (cited by Women's Health and Genetics/Laboratory Corporation of America, LabCorp); PubMed 21447777 (cited by Quest Diagnostics Nichols Institute San Juan Capistrano); PubMed 27251275 (cited by Quest Diagnostics Nichols Institute San Juan Capistrano); PubMed 10728701 (cited by Quest Diagnostics Nichols Institute San Juan Capistrano); PubMed 25159151 (cited by Quest Diagnostics Nichols Institute San Juan Capistrano); PubMed 23749302 (cited by Quest Diagnostics Nichols Institute San Juan Capistrano); PubMed 23186163 (cited by Quest Diagnostics Nichols Institute San Juan Capistrano); PubMed 21712546 (cited by Quest Diagnostics Nichols Institute San Juan Capistrano); PubMed 26183948 (cited by 3 submitters); PubMed 26092435 (cited by Quest Diagnostics Nichols Institute San Juan Capistrano and Ambry Genetics).